The following is an entry in ClinVar:

ClinVar aggregate classification (germline): Pathogenic (1 of 4 stars; one submission).

Conditions:
Interstitial lung disease due to ABCA3 deficiency. Also called: PULMONARY ALVEOLAR PROTEINOSIS, CONGENITAL, 3. Identifiers: Orphanet 440402, MedGen C1970456, MONDO:0012582, OMIM 610921.

Submission:

Myriad Genetics, Inc.
Classification: Pathogenic for Interstitial lung disease due to ABCA3 deficiency. Last evaluated: 2025-03-14. Review status: criteria provided, single submitter. Criteria: Myriad Autosomal Dominant, Autosomal Recessive and X-Linked Classification Criteria (2023). Collection method: clinical testing. Allele origin: unknown.
Comment: NM_001089.2(ABCA3):c.4366C>T(Q1456*) is expected to be pathogenic in the context of surfactant deficiency, ABCA3-related. This variant is predicted to lead to an abnormal or absent protein product due to the creation of a premature termination codon in ABCA3, a gene where loss-of-function variants are known to be pathogenic. Please note: this variant was assessed in the context of healthy population screening.

NM_001089.3(ABCA3):c.4366C>T (p.Gln1456Ter)

Gene: ABCA3 (ATP binding cassette subfamily A member 3; minus strand). Cytogenetic location: 16p13.3.
Variant type: single nucleotide variant.
Coding change: c.4366C>T on transcript NM_001089.3 (MANE Select); coding-DNA position 4366, C replaced by T.
Protein change: p.Gln1456Ter; replaces glutamine 1456 with a stop codon.
Molecular consequence: nonsense.
Genome position (GRCh38, 1-based): chr16:2,279,124, G>A on the plus strand (C>T on the coding strand, the complement: ABCA3 is on the minus strand). VCF-style: chr16-2279124-G-A. GRCh37 (hg19) VCF-style: chr16-2329125-G-A.
Other names: short protein forms Q1456*.
Identifiers: ClinVar variation 5014215 (VCV005014215.1).